The following is an entry in ClinVar:

ClinVar aggregate classification (germline): Likely benign. Review status: criteria provided, multiple submitters, no conflicts (2 of 4 stars). 3 submissions from 3 submitters: Likely benign (3). Last evaluated 2025-07-31.

Conditions:
LCT-related disorder. Also called: LCT-related condition.

Allele frequency attached by ClinVar (database versions not stated): ExAC 0.00001; gnomAD 0.00001; TOPMed 0.00002; gnomAD exomes 0.00003; 1000 Genomes Project 30x 0.00016.
gnomAD v4.1: 42 of 1,614,064 alleles (0.0026%); highest among the groups gnomAD compares: Admixed American, 0.0033%; no homozygotes.

Submissions (3):

Labcorp Genetics (formerly Invitae), Labcorp
Classification: Likely benign. Last evaluated: 2025-07-31. Review status: criteria provided, single submitter. Criteria: Invitae Variant Classification Sherloc (09022015). Collection method: clinical testing. Allele origin: germline.

PreventionGenetics, part of Exact Sciences
Classification: Likely benign for LCT-related condition. Last evaluated: 2025-02-22. Review status: criteria provided, single submitter. Criteria: ACMG Guidelines, 2015. Collection method: clinical testing. Allele origin: germline.
Comment: This variant is classified as likely benign based on ACMG/AMP sequence variant interpretation guidelines (Richards et al. 2015 PMID: 25741868, with internal and published modifications).

Blueprint Genetics
Classification: Likely benign. Last evaluated: 2023-01-20. Review status: criteria provided, single submitter. Criteria: ACMG Guidelines, 2015. Collection method: clinical testing. Allele origin: germline.

NM_002299.4(LCT):c.1188C>T (p.Asn396=)

Genes: LCT (lactase; minus strand), LOC126806353 (BRD4-independent group 4 enhancer GRCh37_chr2:136574960-136576159; plus strand). Cytogenetic location: 2q21.3.
Variant type: single nucleotide variant.
Coding change: c.1188C>T on transcript NM_002299.4 (MANE Select); coding-DNA position 1188, C replaced by T.
Protein change: p.Asn396=; no amino-acid change (asparagine 396 retained).
Molecular consequence: synonymous variant.
Genome position (GRCh38, 1-based): chr2:135,817,860, G>A on the plus strand (C>T on the coding strand, the complement: LCT is on the minus strand). VCF-style: chr2-135817860-G-A. GRCh37 (hg19) VCF-style: chr2-136575430-G-A.
Other names: c.1188C>T (NM_002299.3).
Identifiers: ClinVar variation 2189053 (VCV002189053.6), dbSNP rs753445014, ClinGen allele CA1888433.